The following is an entry in ClinVar:

ClinVar aggregate classification (germline): Uncertain significance (1 of 4 stars; one submission).

Submission:

GeneDx
Classification: Uncertain significance. Last evaluated: 2023-06-27. Review status: criteria provided, single submitter. Criteria: GeneDx Variant Classification Process June 2021. Collection method: clinical testing. Allele origin: germline. Affected: yes.
Comment: Not observed at significant frequency in large population cohorts (gnomAD); Frameshift variant predicted to result in protein truncation or nonsense mediated decay in a gene or region of a gene for which loss of function is not a well-established mechanism of disease; Has not been previously published as pathogenic or benign to our knowledge

NM_020774.4(MIB1):c.305_306del (p.Glu102fs)

Gene: MIB1 (MIB E3 ubiquitin protein ligase 1; plus strand). Cytogenetic location: 18q11.2.
Variant type: Microsatellite.
Coding change: c.305_306del on transcript NM_020774.4 (MANE Select); coding-DNA positions 305 to 306, 2 bases deleted (AG; older notation c.305_306delAG).
Protein change: p.Glu102fs; shifts the reading frame from glutamic acid 102.
Molecular consequence: frameshift variant.
Genome position (GRCh38, 1-based): chr18:21,765,847-21,765,848, AG deleted; deleting any 2 consecutive bases within chr18:21,765,845-21,765,848 gives the same sequence; the c. name uses the placement nearest the transcript's 3' end. VCF-style (leftmost placement, unchanged base first): chr18-21765844-CAG-C. GRCh37 (hg19) VCF-style: chr18-19345805-CAG-C.
Other names: c.305_306del (NM_020774.3); short protein forms E102fs.
Identifiers: ClinVar variation 3360379 (VCV003360379.1).